The following is an entry in ClinVar:

NM_000059.4(BRCA2):c.7788A>T (p.Gly2596=)

Gene: BRCA2 (BRCA2 DNA repair associated; plus strand). Cytogenetic location: 13q13.1.
Variant type: single nucleotide variant.
Coding change: c.7788A>T on transcript NM_000059.4 (MANE Select); coding-DNA position 7788, A replaced by T.
Protein change: p.Gly2596=; no amino-acid change (glycine 2596 retained).
Molecular consequence: synonymous variant. On other transcripts: non-coding transcript variant (1).
Genome position (GRCh38, 1-based): chr13:32,357,912, A>T. VCF-style: chr13-32357912-A-T. GRCh37 (hg19) VCF-style: chr13-32932049-A-T.
Other names: c.7692A>T, p.Gly2564= (NM_001406719.1); c.7788A>T, p.Gly2596= (NM_001406720.1); c.2856A>T, p.Gly952= (NM_001406721.1); c.1371A>T, p.Gly457= (NM_001406722.1).
Identifiers: ClinVar variation 2807573 (VCV002807573.5), dbSNP rs1332875181, ClinGen allele CA483439303.

ClinVar aggregate classification (germline): Conflicting classifications of pathogenicity. Review status: criteria provided, conflicting classifications (1 of 4 stars). 2 submissions from 2 submitters: Uncertain significance (1); Benign (1). Last evaluated 2025-06-17.

Conditions:
Hereditary breast ovarian cancer syndrome. Also called: Hereditary breast and ovarian cancer syndrome; Breast and ovarian cancer; BRCA1- and BRCA2-Associated Hereditary Breast and Ovarian Cancer; Hereditary breast and ovarian cancer syndrome (HBOC); Hereditary breast and/or ovarian cancer syndrome; Hereditary breast and ovarian cancer. Identifiers: Orphanet 145, MedGen C0677776, MeSH D061325, MONDO:0003582. Disease mechanism: loss of function.
Hereditary cancer-predisposing syndrome. Also called: Hereditary neoplastic syndrome; Neoplastic Syndromes, Hereditary; Hereditary Cancer Syndrome; Tumor predisposition. Identifiers: Orphanet 140162, MedGen C0027672, MeSH D009386, MONDO:0015356.

Allele frequency attached by ClinVar (database versions not stated): gnomAD exomes 0.00001.
gnomAD v4.1: 3 of 1,614,070 alleles (0.00019%); highest among the groups gnomAD compares: Admixed American, 0.0033%; no homozygotes.

Submissions (2):

Ambry Genetics
Classification: Benign for Hereditary cancer-predisposing syndrome. Last evaluated: 2025-06-17. Review status: criteria provided, single submitter. Criteria: Ambry Variant Classification Scheme 2023. Collection method: clinical testing. Allele origin: germline.

Labcorp Genetics (formerly Invitae), Labcorp
Classification: Uncertain significance for Hereditary breast ovarian cancer syndrome. Last evaluated: 2023-10-17. Review status: criteria provided, single submitter. Criteria: Invitae Variant Classification Sherloc (09022015). Collection method: clinical testing. Allele origin: germline.
Comment: This sequence change affects codon 2596 of the BRCA2 mRNA. It is a 'silent' change, meaning that it does not change the encoded amino acid sequence of the BRCA2 protein. This variant is present in population databases (no rsID available, gnomAD 0.006%). This variant has not been reported in the literature in individuals affected with BRCA2-related conditions. Algorithms developed to predict the effect of sequence changes on RNA splicing suggest that this variant may create or strengthen a splice site. In summary, the available evidence is currently insufficient to determine the role of this variant in disease. Therefore, it has been classified as a Variant of Uncertain Significance.